The following is an entry in ClinVar:

NM_001059.3(TACR3):c.737+264_737+265insATGTGCACATTCC

Gene: TACR3 (tachykinin receptor 3; minus strand). Cytogenetic location: 4q24.
Variant type: Insertion.
Coding change: c.737+264_737+265insATGTGCACATTCC on transcript NM_001059.3 (MANE Select); bases 264 to 265 of the intron after coding-DNA position 737, ATGTGCACATTCC inserted.
Molecular consequence: intron variant.
Genome position: GRCh38 VCF-style: chr4-103657950-A-AGGAATGTGCACAT. GRCh37 (hg19) VCF-style: chr4-104579107-A-AGGAATGTGCACAT.
Identifiers: ClinVar variation 672986 (VCV000672986.1), dbSNP rs146705358, ClinGen allele CA103195262.
Genomic context (GRCh38, chr4:103,657,950, plus strand): 5'-TCTTCCTTCTCACTCATTTCTCAATCAATAACACAATGCTTTTCTTTGCACATTGCTTTT[A>AGGAATGTGCACAT]TCTTTTATCACTTCCTTCAGGAAACTCTCCAGTGCCATCCCACATAGACATCCTCATATT-3'

ClinVar aggregate classification (germline): Likely benign (1 of 4 stars; one submission).

Allele frequency attached by ClinVar (database versions not stated): 1000 Genomes Project 30x 0.01874; 1000 Genomes Project 0.01877; gnomAD 0.03759 and 0.03783.

Submission:

GeneDx
Classification: Likely benign. Last evaluated: 2018-06-14. Review status: criteria provided, single submitter. Criteria: GeneDx Variant Classification (06012015). Collection method: clinical testing. Allele origin: germline. Affected: yes.
Comment: This variant is considered likely benign or benign based on one or more of the following criteria: it is a conservative change, it occurs at a poorly conserved position in the protein, it is predicted to be benign by multiple in silico algorithms, and/or has population frequency not consistent with disease.